The following is an entry in ClinVar:

NM_000548.5(TSC2):c.4037C>T (p.Ser1346Leu)

Gene: TSC2 (TSC complex subunit 2; plus strand). Cytogenetic location: 16p13.3.
Variant type: single nucleotide variant.
Coding change: c.4037C>T on transcript NM_000548.5 (MANE Select); coding-DNA position 4037, C replaced by T.
Protein change: p.Ser1346Leu; replaces serine 1346 with leucine.
Molecular consequence: missense variant.
Genome position (GRCh38, 1-based): chr16:2,084,259, C>T. VCF-style: chr16-2084259-C-T. GRCh37 (hg19) VCF-style: chr16-2134260-C-T.
Other names: c.3836C>T, p.Ser1279Leu (NM_001077183.3); c.3968C>T, p.Ser1323Leu (NM_001114382.3); c.3728C>T, p.Ser1243Leu (NM_001318827.2); c.3692C>T, p.Ser1231Leu (NM_001318829.2); c.3305C>T, p.Ser1102Leu (NM_001318831.2); c.3869C>T, p.Ser1290Leu (NM_001318832.2); c.3839C>T, p.Ser1280Leu (NM_001363528.2); c.3905C>T, p.Ser1302Leu (NM_001370404.1); and 2 more; short protein forms S1346L, S1302L, S1303L, S1243L, S1280L, S1290L, S1323L, S1279L.
Identifiers: ClinVar variation 486606 (VCV000486606.22), dbSNP rs45517326, ClinGen allele CA050248.

ClinVar aggregate classification (germline): Conflicting classifications of pathogenicity. Review status: criteria provided, conflicting classifications (1 of 4 stars). 6 submissions from 6 submitters: Uncertain significance (2); Benign (1); Likely benign (3). Last evaluated 2026-01-28.

Conditions:
TSC2-related disorder. Also called: TSC2-related condition; TSC2-Related Disorders.
Hereditary cancer-predisposing syndrome. Also called: Neoplastic Syndromes, Hereditary; Hereditary Cancer Syndrome; Tumor predisposition; Hereditary neoplastic syndrome. Identifiers: Orphanet 140162, MedGen C0027672, MeSH D009386, MONDO:0015356.
Tuberous sclerosis syndrome (TSC). Also called: Tuberous Sclerosis Complex; Tuberous sclerosis. Identifiers: Orphanet 805, MedGen C0041341, MONDO:0001734.
Tuberous sclerosis 2 (TSC2). Identifiers: Orphanet 805, MedGen C1860707, MONDO:0013199, OMIM 613254.

Allele frequency attached by ClinVar (database versions not stated): gnomAD exomes 0.00001; ExAC 0.00002; TOPMed 0.00002.
gnomAD v4.1: 14 of 1,605,338 alleles (0.00087%); highest among the groups gnomAD compares: African/African-American, 0.0013%; no homozygotes.

Submissions (6):

Labcorp Genetics (formerly Invitae), Labcorp
Classification: Benign for Tuberous sclerosis 2. Last evaluated: 2026-01-28. Review status: criteria provided, single submitter. Criteria: Invitae Variant Classification Sherloc (09022015). Collection method: clinical testing. Allele origin: germline.

PreventionGenetics, part of Exact Sciences
Classification: Likely benign for TSC2-related condition. Last evaluated: 2025-03-10. Review status: criteria provided, single submitter. Criteria: ACMG Guidelines, 2015. Collection method: clinical testing. Allele origin: germline.
Comment: This variant is classified as likely benign based on ACMG/AMP sequence variant interpretation guidelines (Richards et al. 2015 PMID: 25741868, with internal and published modifications).

All of Us Research Program, National Institutes of Health
Classification: Uncertain significance for Tuberous sclerosis syndrome. Last evaluated: 2024-07-20. Review status: criteria provided, single submitter. Criteria: ACMG Guidelines, 2015. Collection method: clinical testing. Allele origin: germline. Inheritance: Autosomal dominant inheritance. Observed: 5 variant alleles, 5 heterozygotes.
Comment: This missense variant replaces serine with leucine at codon 1346 of the TSC2 protein. Computational prediction is inconclusive regarding the impact of this variant on protein structure and function (internally defined REVEL score threshold 0.5 < inconclusive < 0.7, PMID: 27666373). To our knowledge, functional studies have not been reported for this variant. This variant has not been reported in individuals affected with tuberous sclerosis complex in the literature. This variant has been identified in 2/233586 chromosomes in the general population by the Genome Aggregation Database (gnomAD). The available evidence is insufficient to determine the role of this variant in disease conclusively. Therefore, this variant is classified as a Variant of Uncertain Significance.

This study involves interpretation of variants in research participants for the purpose of population health screening. Participant phenotype was not available at the time of variant classification. Additional details can be found in publication PMID: 35346344, PMCID: PMC8962531

Ambry Genetics
Classification: Likely benign for Hereditary cancer-predisposing syndrome. Last evaluated: 2023-01-18. Review status: criteria provided, single submitter. Criteria: Ambry Variant Classification Scheme 2023. Collection method: clinical testing. Allele origin: germline.

Sema4
Classification: Uncertain significance for Hereditary cancer-predisposing syndrome. Last evaluated: 2021-12-17. Review status: criteria provided, single submitter. Criteria: Sema4 Curation Guidelines. Collection method: curation. Allele origin: germline.
Comment: The TSC2 c.4037C>T (p.S1346L) variant has been reported in one individual with tuberous sclerosis complex (PMID: 32917966). It was observed in 2/9710 chromosomes of the Ashkenazi Jewish subpopulation in the large and broad cohorts of the Genome Aggregation Database (PMID: 32461654). The variant has been reported in ClinVar (Variation ID 486606). Functional studies have not been performed, and in silico predictions of the variant's effect on protein function are inconclusive. The evidence is insufficient to meet ACMG/AMP criteria for classifying the variant as benign or pathogenic. Thus, the clinical significance of this variant is currently uncertain.

Genome-Nilou Lab
Classification: Likely benign for Tuberous sclerosis 2. Last evaluated: 2021-11-07. Review status: criteria provided, single submitter. Criteria: ACMG Guidelines, 2015. Collection method: clinical testing. Allele origin: germline. Affected: no.

Literature cited by the submitters: PubMed 32917966 (cited by Sema4).